The following is an entry in ClinVar:

ClinVar aggregate classification (germline): Uncertain significance. Review status: criteria provided, multiple submitters, no conflicts (2 of 4 stars). 3 submissions from 3 submitters: Uncertain significance (3). Last evaluated 2025-02-26.

Conditions:
Hereditary spastic paraplegia. Also called: Familial spastic paraparesis. Identifiers: Orphanet 685, MedGen C0037773, MONDO:0019064. Disease mechanism: loss of function.
Spastic paraplegia. Identifiers: MedGen C0037772, HP:0001258.

Allele frequency attached by ClinVar (database versions not stated): ExAC 0.00013; gnomAD 0.00009; TOPMed 0.00012; gnomAD exomes 0.00019 and 0.00010.
gnomAD v4.1: 166 of 1,599,756 alleles (0.01%); highest among the groups gnomAD compares: Admixed American, 0.047%; no homozygotes.

Submissions (3):

Mayo Clinic Laboratories, Mayo Clinic
Classification: Uncertain significance. Last evaluated: 2025-02-26. Review status: criteria provided, single submitter. Criteria: ACMG Guidelines, 2015. Collection method: clinical testing. Allele origin: germline. Observed: 1 variant allele.
Comment: BS1

Labcorp Genetics (formerly Invitae), Labcorp
Classification: Uncertain significance for Spastic paraplegia. Last evaluated: 2023-12-11. Review status: criteria provided, single submitter. Criteria: Invitae Variant Classification Sherloc (09022015). Collection method: clinical testing. Allele origin: germline.
Comment: This sequence change replaces asparagine, which is neutral and polar, with serine, which is neutral and polar, at codon 311 of the AP4E1 protein (p.Asn311Ser). This variant is present in population databases (rs536656846, gnomAD 0.2%). This variant has not been reported in the literature in individuals affected with AP4E1-related conditions. ClinVar contains an entry for this variant (Variation ID: 655308). An algorithm developed to predict the effect of missense changes on protein structure and function (PolyPhen-2) suggests that this variant is likely to be disruptive. In summary, the available evidence is currently insufficient to determine the role of this variant in disease. Therefore, it has been classified as a Variant of Uncertain Significance.

Genome Diagnostics Laboratory, The Hospital for Sick Children
Classification: Uncertain significance for Hereditary spastic paraplegia. Last evaluated: 2018-02-01. Review status: criteria provided, single submitter. Criteria: ACMG Guidelines, 2015. Collection method: clinical testing. Allele origin: germline. Affected: yes.

NM_007347.5(AP4E1):c.932A>G (p.Asn311Ser)

Gene: AP4E1 (adaptor related protein complex 4 subunit epsilon 1; plus strand). Cytogenetic location: 15q21.2.
Variant type: single nucleotide variant.
Coding change: c.932A>G on transcript NM_007347.5 (MANE Select); coding-DNA position 932, A replaced by G.
Protein change: p.Asn311Ser; replaces asparagine 311 with serine.
Molecular consequence: missense variant.
Genome position (GRCh38, 1-based): chr15:50,934,686, A>G. VCF-style: chr15-50934686-A-G. GRCh37 (hg19) VCF-style: chr15-51226883-A-G.
Other names: p.Asn311Ser; c.707A>G, p.Asn236Ser (NM_001252127.2); short protein forms N236S, N311S.
Identifiers: ClinVar variation 655308 (VCV000655308.12), dbSNP rs536656846, ClinGen allele CA7558920.